The following is an entry in ClinVar:

NM_001365480.1(CCDC88A):c.402+3A>T

Gene: CCDC88A (coiled-coil and HOOK domain protein 88A; minus strand). Cytogenetic location: 2p16.1.
Variant type: single nucleotide variant.
Coding change: c.402+3A>T on transcript NM_001365480.1 (MANE Select); 3 bases into the intron after coding-DNA position 402, A replaced by T.
Molecular consequence: intron variant.
Genome position (GRCh38, 1-based): chr2:55,372,449, T>A on the plus strand (A>T on the coding strand, the complement: CCDC88A is on the minus strand). VCF-style: chr2-55372449-T-A. GRCh37 (hg19) VCF-style: chr2-55599585-T-A.
Other names: c.402+3A>T (NM_001254943.2, NM_001135597.2, NM_018084.5).
Identifiers: ClinVar variation 1467794 (VCV001467794.6), dbSNP rs1558762390, ClinGen allele CA2573135040.

ClinVar aggregate classification (germline): Uncertain significance (1 of 4 stars; one submission).

Submission:

Labcorp Genetics (formerly Invitae), Labcorp
Classification: Uncertain significance. Last evaluated: 2022-07-11. Review status: criteria provided, single submitter. Criteria: Invitae Variant Classification Sherloc (09022015). Collection method: clinical testing. Allele origin: germline.
Comment: In summary, the available evidence is currently insufficient to determine the role of this variant in disease. Therefore, it has been classified as a Variant of Uncertain Significance. Variants that disrupt the consensus splice site are a relatively common cause of aberrant splicing (PMID: 17576681, 9536098). Algorithms developed to predict the effect of sequence changes on RNA splicing suggest that this variant may disrupt the consensus splice site. ClinVar contains an entry for this variant (Variation ID: 1467794). This variant has not been reported in the literature in individuals affected with CCDC88A-related conditions. This variant is not present in population databases (gnomAD no frequency). This sequence change falls in intron 5 of the CCDC88A gene. It does not directly change the encoded amino acid sequence of the CCDC88A protein. It affects a nucleotide within the consensus splice site.

Literature cited by the submitters: PubMed 17576681; PubMed 9536098.